The following is an entry in ClinVar:

ClinVar aggregate classification (germline): Uncertain significance (1 of 4 stars; one submission).

Allele frequency attached by ClinVar (database versions not stated): gnomAD exomes below 0.00001; ExAC 0.00001; gnomAD 0.00001.
gnomAD v4.1: 1 of 1,613,800 alleles (0.000062%); highest among the groups gnomAD compares: African/African-American, 0.0013%; no homozygotes.

Submission:

GeneDx
Classification: Uncertain significance. Last evaluated: 2019-11-11. Review status: criteria provided, single submitter. Criteria: GeneDx Variant Classification Process June 2021. Collection method: clinical testing. Allele origin: germline. Affected: yes.
Comment: Not observed at a significant frequency in large population cohorts (Lek et al., 2016); In silico analysis, which includes protein predictors and evolutionary conservation, supports that this variant does not alter protein structure/function; Has not been previously published as pathogenic or benign to our knowledge

NM_001365088.1(SLC12A6):c.3109G>A (p.Glu1037Lys)

Gene: SLC12A6 (solute carrier family 12 member 6; minus strand). Cytogenetic location: 15q14.
Variant type: single nucleotide variant.
Coding change: c.3109G>A on transcript NM_001365088.1 (MANE Select); coding-DNA position 3109, G replaced by A.
Protein change: p.Glu1037Lys; replaces glutamic acid 1037 with lysine.
Molecular consequence: missense variant.
Genome position (GRCh38, 1-based): chr15:34,236,133, C>T on the plus strand (G>A on the coding strand, the complement: SLC12A6 is on the minus strand). VCF-style: chr15-34236133-C-T. GRCh37 (hg19) VCF-style: chr15-34528334-C-T.
Other names: c.2932G>A, p.Glu978Lys (NM_001042494.2, NM_001042495.2); c.3082G>A, p.Glu1028Lys (NM_001042496.2); c.3064G>A, p.Glu1022Lys (NM_001042497.2); c.2956G>A, p.Glu986Lys (NM_005135.2); c.3109G>A, p.Glu1037Lys (NM_133647.2); short protein forms E1022K, E1028K, E1037K, E978K, E986K.
Identifiers: ClinVar variation 1310235 (VCV001310235.2), dbSNP rs775973016, ClinGen allele CA7463921.